The following is an entry in ClinVar:

NM_001710.6(CFB):c.1831C>T (p.Pro611Ser)

Gene: CFB (complement factor B; plus strand). Cytogenetic location: 6p21.33.
Variant type: single nucleotide variant.
Coding change: c.1831C>T on transcript NM_001710.6 (MANE Select); coding-DNA position 1831, C replaced by T.
Protein change: p.Pro611Ser; replaces proline 611 with serine.
Molecular consequence: missense variant.
Genome position (GRCh38, 1-based): chr6:31,950,920, C>T. VCF-style: chr6-31950920-C-T. GRCh37 (hg19) VCF-style: chr6-31918697-C-T.
Other names: short protein forms P611S.
Identifiers: ClinVar variation 3669928 (VCV003669928.2).
Genomic context (GRCh38, chr6:31,950,920, plus strand): 5'-CTTTATAGGCCCATTTGTCTCCCCTGCACCGAGGGAACAACTCGAGCTTTGAGGCTTCCT[C>T]CAACTACCACTTGCCAGCAACAAAGTAAGACATACTTGGCAAGAGGATAAGGATGAGATC-3'
Protein context (NP_001701.2, residues 601-621): EGTTRALRLP[Pro611Ser]TTTCQQQKEE

ClinVar aggregate classification (germline): Uncertain significance (1 of 4 stars; one submission).

Submission:

Labcorp Genetics (formerly Invitae), Labcorp
Classification: Uncertain significance. Last evaluated: 2024-10-28. Review status: criteria provided, single submitter. Criteria: Invitae Variant Classification Sherloc (09022015). Collection method: clinical testing. Allele origin: germline.
Comment: This sequence change replaces proline, which is neutral and non-polar, with serine, which is neutral and polar, at codon 611 of the CFB protein (p.Pro611Ser). This variant is not present in population databases (gnomAD no frequency). This variant has not been reported in the literature in individuals affected with CFB-related conditions. Invitae Evidence Modeling of protein sequence and biophysical properties (such as structural, functional, and spatial information, amino acid conservation, physicochemical variation, residue mobility, and thermodynamic stability) indicates that this missense variant is not expected to disrupt CFB protein function with a negative predictive value of 80%. In summary, the available evidence is currently insufficient to determine the role of this variant in disease. Therefore, it has been classified as a Variant of Uncertain Significance.